The following is an entry in ClinVar:

ClinVar aggregate classification (germline): Uncertain significance (1 of 4 stars; one submission).

Conditions:
NPHP1-related disorder. Also called: NPHP1-related disorders; NPHP1-related condition.

gnomAD v4.1: 6 of 1,613,778 alleles (0.00037%); highest among the groups gnomAD compares: Non-Finnish European, 0.00051%; no homozygotes.

Submission:

PreventionGenetics, part of Exact Sciences
Classification: Uncertain significance for NPHP1-related condition. Last evaluated: 2026-01-28. Review status: criteria provided, single submitter. Criteria: ACMG Guidelines, 2015. Collection method: clinical testing. Allele origin: germline.
Comment: The NPHP1 c.59T>G variant is predicted to result in the amino acid substitution p.Leu20Arg. To our knowledge, this variant has not been reported in the literature. This variant is reported in 0.0018% of alleles in individuals of European (Non-Finnish) descent in gnomAD. At this time, the clinical significance of this variant is uncertain due to the absence of conclusive functional and genetic evidence.

NM_001128178.3(NPHP1):c.59T>G (p.Leu20Arg)

Gene: NPHP1 (nephrocystin 1; minus strand). Cytogenetic location: 2q13.
Variant type: single nucleotide variant.
Coding change: c.59T>G on transcript NM_001128178.3 (MANE Select); coding-DNA position 59, T replaced by G.
Protein change: p.Leu20Arg; replaces leucine 20 with arginine.
Molecular consequence: missense variant.
Genome position (GRCh38, 1-based): chr2:110,204,910, A>C on the plus strand (T>G on the coding strand, the complement: NPHP1 is on the minus strand). VCF-style: chr2-110204910-A-C. GRCh37 (hg19) VCF-style: chr2-110962487-A-C.
Other names: c.59T>G, p.Leu20Arg (NM_000272.5, NM_001128179.3, NM_001374256.1 and 2 more transcripts); short protein forms L20R.
Identifiers: ClinVar variation 4991751 (VCV004991751.1).